The following is an entry in ClinVar:

ClinVar aggregate classification (germline): Uncertain significance. Review status: criteria provided, multiple submitters, no conflicts (2 of 4 stars). 3 submissions from 3 submitters: Uncertain significance (3). Last evaluated 2023-07-11.

Allele frequency attached by ClinVar (database versions not stated): gnomAD exomes 0.00004; ExAC 0.00005; gnomAD 0.00005 and 0.00006; ESP Exome Variant Server 0.00008; TOPMed 0.00008.
gnomAD v4.1: 33 of 1,613,834 alleles (0.002%); highest among the groups gnomAD compares: African/African-American, 0.02%; no homozygotes.

Submissions (3):

Ambry Genetics
Classification: Uncertain significance. Last evaluated: 2023-07-11. Review status: criteria provided, single submitter. Criteria: Ambry Variant Classification Scheme 2023. Collection method: clinical testing. Allele origin: germline.

Blueprint Genetics
Classification: Uncertain significance. Last evaluated: 2022-09-07. Review status: criteria provided, single submitter. Criteria: ACMG Guidelines, 2015. Collection method: clinical testing. Allele origin: germline.

GeneDx
Classification: Uncertain significance. Last evaluated: 2019-05-22. Review status: criteria provided, single submitter. Criteria: GeneDx Variant Classification Process June 2021. Collection method: clinical testing. Allele origin: germline. Affected: yes.
Comment: In silico analysis, which includes protein predictors and evolutionary conservation, supports that this variant does not alter protein structure/function; Has not been previously published as pathogenic or benign to our knowledge

NM_003571.4(BFSP2):c.155G>A (p.Arg52Gln)

Gene: BFSP2 (beaded filament structural protein 2; plus strand). Cytogenetic location: 3q22.1.
Variant type: single nucleotide variant.
Coding change: c.155G>A on transcript NM_003571.4 (MANE Select); coding-DNA position 155, G replaced by A.
Protein change: p.Arg52Gln; replaces arginine 52 with glutamine.
Molecular consequence: missense variant.
Genome position (GRCh38, 1-based): chr3:133,400,238, G>A. VCF-style: chr3-133400238-G-A. GRCh37 (hg19) VCF-style: chr3-133119082-G-A.
Other names: c.155G>A (NM_003571.2); short protein forms R52Q.
Identifiers: ClinVar variation 1306035 (VCV001306035.5), dbSNP rs145301682, ClinGen allele CA2623191.